The following is an entry in ClinVar:

ClinVar aggregate classification (germline): Uncertain significance (1 of 4 stars; one submission).

Allele frequency attached by ClinVar (database versions not stated): gnomAD exomes below 0.00001; gnomAD 0.00004.
gnomAD v4.1: 13 of 1,613,984 alleles (0.00081%); highest among the groups gnomAD compares: Admixed American, 0.01%; no homozygotes.

Submission:

Ambry Genetics
Classification: Uncertain significance. Last evaluated: 2025-01-05. Review status: criteria provided, single submitter. Criteria: Ambry Variant Classification Scheme 2023. Collection method: clinical testing. Allele origin: germline.
Comment: The p.P409L variant (also known as c.1226C>T), located in coding exon 8 of the ATRIP gene, results from a C to T substitution at nucleotide position 1226. The proline at codon 409 is replaced by leucine, an amino acid with similar properties. This amino acid position is conserved. In addition, this alteration is predicted to be tolerated by in silico analysis. Based on the available evidence, the clinical significance of this variant remains unclear.

NM_130384.3(ATRIP):c.1226C>T (p.Pro409Leu)

Genes: ATRIP (ATR interacting protein; plus strand), ATRIP-TREX1 (ATRIP-TREX1 readthrough; plus strand). Cytogenetic location: 3p21.31.
Variant type: single nucleotide variant.
Coding change: c.1226C>T on transcript NM_130384.3 (MANE Select); coding-DNA position 1226, C replaced by T.
Protein change: p.Pro409Leu; replaces proline 409 with leucine.
Molecular consequence: missense variant. On other transcripts: non-coding transcript variant (1).
Genome position (GRCh38, 1-based): chr3:48,460,280, C>T. VCF-style: chr3-48460280-C-T. GRCh37 (hg19) VCF-style: chr3-48501679-C-T.
Other names: c.845C>T, p.Pro282Leu (NM_001271022.2); c.947C>T, p.Pro316Leu (NM_001271023.2); c.1226C>T, p.Pro409Leu (NM_032166.4); short protein forms P409L, P282L, P316L.
Identifiers: ClinVar variation 3132116 (VCV003132116.2), dbSNP rs2040066392, ClinGen allele CA352723122.